The following is an entry in ClinVar:

ClinVar aggregate classification (germline): Uncertain significance. Review status: criteria provided, multiple submitters, no conflicts (2 of 4 stars). 3 submissions from 3 submitters: Uncertain significance (3). Last evaluated 2025-03-31.

Conditions:
Sessile serrated polyposis cancer syndrome (SSPCS). Identifiers: Orphanet 157798, MedGen C4310714, MONDO:0014919, OMIM 617108.

Allele frequency attached by ClinVar (database versions not stated): gnomAD 0.00001; ExAC 0.00001; TOPMed 0.00001; gnomAD exomes 0.00002.
gnomAD v4.1: 12 of 1,614,068 alleles (0.00074%); highest among the groups gnomAD compares: Admixed American, 0.005%; no homozygotes.

Submissions (3):

Labcorp Genetics (formerly Invitae), Labcorp
Classification: Uncertain significance. Last evaluated: 2025-03-31. Review status: criteria provided, single submitter. Criteria: Invitae Variant Classification Sherloc (09022015). Collection method: clinical testing. Allele origin: germline.
Comment: This sequence change replaces histidine, which is basic and polar, with glutamine, which is neutral and polar, at codon 651 of the RNF43 protein (p.His651Gln). This variant is present in population databases (rs759903059, gnomAD 0.009%). This variant has not been reported in the literature in individuals affected with RNF43-related conditions. ClinVar contains an entry for this variant (Variation ID: 2678396). An algorithm developed to predict the effect of missense changes on protein structure and function (PolyPhen-2) suggests that this variant is likely to be disruptive. In summary, the available evidence is currently insufficient to determine the role of this variant in disease. Therefore, it has been classified as a Variant of Uncertain Significance.

Ambry Genetics
Classification: Uncertain significance. Last evaluated: 2024-12-16. Review status: criteria provided, single submitter. Criteria: Ambry Variant Classification Scheme 2023. Collection method: clinical testing. Allele origin: germline.
Comment: The p.H651Q variant (also known as c.1953C>A), located in coding exon 8 of the RNF43 gene, results from a C to A substitution at nucleotide position 1953. The histidine at codon 651 is replaced by glutamine, an amino acid with highly similar properties. This amino acid position is conserved. In addition, this alteration is predicted to be tolerated by in silico analysis. Based on the available evidence, the clinical significance of this variant remains unclear.

Baylor Genetics
Classification: Uncertain significance for Sessile serrated polyposis cancer syndrome. Last evaluated: 2023-10-19. Review status: criteria provided, single submitter. Criteria: ACMG Guidelines, 2015. Collection method: clinical testing. Allele origin: unknown.

NM_017763.6(RNF43):c.1953C>A (p.His651Gln)

Gene: RNF43 (ring finger protein 43; minus strand). Cytogenetic location: 17q22.
Variant type: single nucleotide variant.
Coding change: c.1953C>A on transcript NM_017763.6 (MANE Select); coding-DNA position 1953, C replaced by A.
Protein change: p.His651Gln; replaces histidine 651 with glutamine.
Molecular consequence: missense variant.
Genome position (GRCh38, 1-based): chr17:58,357,823, G>T on the plus strand (C>A on the coding strand, the complement: RNF43 is on the minus strand). VCF-style: chr17-58357823-G-T. GRCh37 (hg19) VCF-style: chr17-56435184-G-T.
Other names: c.1953C>A (NM_017763.4); c.1953C>A, p.His651Gln (NM_001305544.3); c.1572C>A, p.His524Gln (NM_001305545.2); short protein forms H524Q, H651Q.
Identifiers: ClinVar variation 2678396 (VCV002678396.5), dbSNP rs759903059, ClinGen allele CA8673087.